The following is an entry in ClinVar:

ClinVar aggregate classification (germline): Uncertain significance. Review status: criteria provided, multiple submitters, no conflicts (2 of 4 stars). 2 submissions from 2 submitters: Uncertain significance (2). Last evaluated 2022-07-06.

Conditions:
Deficiency of adenosine deaminase 2. Also called: VASCULITIS, AUTOINFLAMMATION, IMMUNODEFICIENCY, AND HEMATOLOGIC DEFECTS SYNDROME; Polyarteritis nodosa, childhoood-onset; Adenosine Deaminase 2 Deficiency. Identifiers: Orphanet 404553, MedGen C3887654, MONDO:0014306, OMIM 615688, MONDO:0100317.

Allele frequency attached by ClinVar (database versions not stated): gnomAD exomes below 0.00001.
gnomAD v4.1: 1 of 1,613,896 alleles (0.000062%); highest among the groups gnomAD compares: Non-Finnish European, 0.000085%; no homozygotes.

Submissions (2):

Labcorp Genetics (formerly Invitae), Labcorp
Classification: Uncertain significance for Deficiency of adenosine deaminase 2. Last evaluated: 2022-07-06. Review status: criteria provided, single submitter. Criteria: Invitae Variant Classification Sherloc (09022015). Collection method: clinical testing. Allele origin: germline.
Comment: This sequence change replaces methionine, which is neutral and non-polar, with threonine, which is neutral and polar, at codon 232 of the ADA2 protein (p.Met232Thr). In summary, the available evidence is currently insufficient to determine the role of this variant in disease. Therefore, it has been classified as a Variant of Uncertain Significance. Algorithms developed to predict the effect of missense changes on protein structure and function are either unavailable or do not agree on the potential impact of this missense change (SIFT: "Deleterious"; PolyPhen-2: "Possibly Damaging"; Align-GVGD: "Class C0"). ClinVar contains an entry for this variant (Variation ID: 1393016). This variant has not been reported in the literature in individuals affected with ADA2-related conditions. This variant is not present in population databases (gnomAD no frequency).

Blueprint Genetics
Classification: Uncertain significance. Last evaluated: 2020-02-19. Review status: criteria provided, single submitter. Criteria: ACMG Guidelines, 2015. Collection method: clinical testing. Allele origin: germline.

NM_001282225.2(ADA2):c.695T>C (p.Met232Thr)

Gene: ADA2 (adenosine deaminase 2; minus strand). Cytogenetic location: 22q11.1.
Variant type: single nucleotide variant.
Coding change: c.695T>C on transcript NM_001282225.2 (MANE Select); coding-DNA position 695, T replaced by C.
Protein change: p.Met232Thr; replaces methionine 232 with threonine.
Molecular consequence: missense variant.
Genome position (GRCh38, 1-based): chr22:17,203,621, A>G on the plus strand (T>C on the coding strand, the complement: ADA2 is on the minus strand). VCF-style: chr22-17203621-A-G. GRCh37 (hg19) VCF-style: chr22-17684511-A-G.
Other names: c.695T>C, p.Met232Thr (NM_001282226.2); c.569T>C, p.Met190Thr (NM_001282227.2, NM_001282228.2); c.335T>C, p.Met112Thr (NM_001282229.2); short protein forms M112T, M190T, M232T.
Identifiers: ClinVar variation 1393016 (VCV001393016.9), dbSNP rs2123699502, ClinGen allele CA410228134.